The following is an entry in ClinVar:

NM_000338.3(SLC12A1):c.1644T>A (p.Tyr548Ter)

Gene: SLC12A1 (solute carrier family 12 member 1; plus strand). Cytogenetic location: 15q21.1.
Variant type: single nucleotide variant.
Coding change: c.1644T>A on transcript NM_000338.3 (MANE Select); coding-DNA position 1644, T replaced by A.
Protein change: p.Tyr548Ter; replaces tyrosine 548 with a stop codon.
Molecular consequence: nonsense.
Genome position (GRCh38, 1-based): chr15:48,247,420, T>A. VCF-style: chr15-48247420-T-A. GRCh37 (hg19) VCF-style: chr15-48539617-T-A.
Other names: c.1644T>A, p.Tyr548Ter (NM_001184832.2, NM_001384136.1); short protein forms Y548*.
Identifiers: ClinVar variation 2906874 (VCV002906874.4), dbSNP rs766364222, ClinGen allele CA7547160.
Genomic context (GRCh38, chr15:48,247,420, plus strand): 5'-CAAAGCCCTGCAGTTTTTTGCAAAGGGATATGGGAAAAACAATGAACCCCTGAGAGGATA[T>A]ATTCTCACTTTTCTTATAGCCATGGCATTTATTCTTATTGGTTTGTAAAGTTTTCTTGTT-3'

ClinVar aggregate classification (germline): Pathogenic/Likely pathogenic. Review status: criteria provided, multiple submitters, no conflicts (2 of 4 stars). 2 submissions from 2 submitters: Pathogenic (1); Likely pathogenic (1). Last evaluated 2025-04-28.

Conditions:
Bartter disease type 1. Also called: Bartter syndrome, type 1, antenatal; HYPERPROSTAGLANDIN E SYNDROME 1; HYPOKALEMIC ALKALOSIS WITH HYPERCALCIURIA 1, ANTENATAL; Bartter Syndrome type 1. Identifiers: Orphanet 112, Orphanet 620217, MedGen C1866495, MONDO:0100344, OMIM 601678, MONDO:0011127.

Allele frequency attached by ClinVar (database versions not stated): gnomAD 0.00001; TOPMed 0.00001; gnomAD exomes 0.00006; ExAC 0.00001.
gnomAD v4.1: 85 of 1,611,020 alleles (0.0053%); highest among the groups gnomAD compares: Non-Finnish European, 0.0072%; no homozygotes.

Submissions (2):

Variantyx, Inc.
Classification: Likely pathogenic for Bartter disease type 1. Last evaluated: 2025-04-28. Review status: criteria provided, single submitter. Criteria: Variantyx Assertion Criteria 2022. Collection method: clinical testing. Allele origin: germline. Inheritance: Autosomal recessive inheritance. Affected: no.
Comment: This is a nonsense variant in the SLC12A1 gene (OMIM: 600839). Pathogenic variants in this gene have been associated with autosomal recessive Bartter syndrome type 1. This variant introduces a premature termination codon in exon 13 out of 27 and is expected to result in loss of function, which is a known disease mechanism for SLC12A1 in this disorder (PMID: 9585600, 19096086) (PVS1). It has a 0.0072% maximum allele frequency in non-founder control populations (PM2). Based on the current evidence, this variant is classified as likely pathogenic for autosomal recessive Bartter syndrome type 1.

Labcorp Genetics (formerly Invitae), Labcorp
Classification: Pathogenic. Last evaluated: 2024-02-14. Review status: criteria provided, single submitter. Criteria: Invitae Variant Classification Sherloc (09022015). Collection method: clinical testing. Allele origin: germline.
Comment: This sequence change creates a premature translational stop signal (p.Tyr548*) in the SLC12A1 gene. It is expected to result in an absent or disrupted protein product. Loss-of-function variants in SLC12A1 are known to be pathogenic (PMID: 8640224, 9585600, 19096086). This variant is present in population databases (rs766364222, gnomAD 0.006%). This variant has not been reported in the literature in individuals affected with SLC12A1-related conditions. For these reasons, this variant has been classified as Pathogenic.

Literature cited by the submitters: PubMed 9585600 (cited by Variantyx, Inc. and Labcorp Genetics (formerly Invitae), Labcorp); PubMed 19096086 (cited by Variantyx, Inc. and Labcorp Genetics (formerly Invitae), Labcorp); PubMed 8640224 (cited by Labcorp Genetics (formerly Invitae), Labcorp).